The following is an entry in ClinVar:

NM_206996.4(SPAG17):c.3054+9C>T

Gene: SPAG17 (sperm associated antigen 17; minus strand). Cytogenetic location: 1p12.
Variant type: single nucleotide variant.
Coding change: c.3054+9C>T on transcript NM_206996.4 (MANE Select); 9 bases into the intron after coding-DNA position 3054, C replaced by T.
Molecular consequence: intron variant.
Genome position (GRCh38, 1-based): chr1:118,041,794, G>A on the plus strand (C>T on the coding strand, the complement: SPAG17 is on the minus strand). VCF-style: chr1-118041794-G-A. GRCh37 (hg19) VCF-style: chr1-118584417-G-A.
Identifiers: ClinVar variation 3037876 (VCV003037876.2), dbSNP rs146889394, ClinGen allele CA1033803.

ClinVar aggregate classification (germline): Likely benign (0 of 4 stars; one submission).

Conditions:
SPAG17-related disorder. Also called: SPAG17-related condition.

Allele frequency attached by ClinVar (database versions not stated): 1000 Genomes Project 30x 0.00078; 1000 Genomes Project 0.00100; gnomAD 0.00133; ExAC 0.00147; TOPMed 0.00161; gnomAD exomes 0.00179; ESP Exome Variant Server 0.00192.
gnomAD v4.1: 2,785 of 1,604,582 alleles (0.17%); highest among the groups gnomAD compares: Admixed American, 0.24%; 4 homozygotes.

Submission:

PreventionGenetics, part of Exact Sciences
Classification: Likely benign for SPAG17-related condition. Last evaluated: 2019-05-03. Review status: no assertion criteria provided. Collection method: clinical testing. Allele origin: germline.
Comment: This variant is classified as likely benign based on ACMG/AMP sequence variant interpretation guidelines (Richards et al. 2015 PMID: 25741868, with internal and published modifications).